The following is an entry in ClinVar:

ClinVar aggregate classification (germline): Conflicting classifications of pathogenicity. Review status: criteria provided, conflicting classifications (1 of 4 stars). 3 submissions from 3 submitters: Uncertain significance (1); Likely benign (2). Last evaluated 2023-05-08.

Conditions:
Inborn genetic diseases. Identifiers: MedGen C0950123, MeSH D030342.
Autosomal recessive spastic paraplegia type 78. Identifiers: Orphanet 513436, MedGen C5567893, MONDO:0014975, OMIM 617225.
Kufor-Rakeb syndrome (KRS). Also called: PARKINSON DISEASE 9, AUTOSOMAL RECESSIVE, JUVENILE-ONSET. Identifiers: Orphanet 306674, Orphanet 314632, MedGen C1847640, MONDO:0011706, OMIM 606693.

Allele frequency attached by ClinVar (database versions not stated): gnomAD exomes 0.00004 and 0.00005; TOPMed 0.00005; ExAC 0.00006; gnomAD 0.00006 and 0.00008; ESP Exome Variant Server 0.00008; 1000 Genomes Project 30x 0.00016; 1000 Genomes Project 0.00020.
gnomAD v4.1: 65 of 1,612,578 alleles (0.004%); highest among the groups gnomAD compares: South Asian, 0.057%; 1 homozygote.

Submissions (3):

Blueprint Genetics
Classification: Likely benign. Last evaluated: 2023-05-08. Review status: criteria provided, single submitter. Criteria: ACMG Guidelines, 2015. Collection method: clinical testing. Allele origin: germline.

Ambry Genetics
Classification: Likely benign for Inborn genetic diseases. Last evaluated: 2023-03-22. Review status: criteria provided, single submitter. Criteria: Ambry Variant Classification Scheme 2023. Collection method: clinical testing. Allele origin: germline.

Labcorp Genetics (formerly Invitae), Labcorp
Classification: Uncertain significance for Kufor-Rakeb syndrome; Autosomal recessive spastic paraplegia type 78. Last evaluated: 2022-04-24. Review status: criteria provided, single submitter. Criteria: Invitae Variant Classification Sherloc (09022015). Collection method: clinical testing. Allele origin: germline.
Comment: This variant has not been reported in the literature in individuals affected with ATP13A2-related conditions. In summary, the available evidence is currently insufficient to determine the role of this variant in disease. Therefore, it has been classified as a Variant of Uncertain Significance. Algorithms developed to predict the effect of sequence changes on RNA splicing suggest that this variant may create or strengthen a splice site. Advanced modeling of protein sequence and biophysical properties (such as structural, functional, and spatial information, amino acid conservation, physicochemical variation, residue mobility, and thermodynamic stability) performed at Invitae indicates that this missense variant is not expected to disrupt ATP13A2 protein function. ClinVar contains an entry for this variant (Variation ID: 1056319). This variant is present in population databases (rs147260398, gnomAD 0.04%). This sequence change replaces alanine, which is neutral and non-polar, with valine, which is neutral and non-polar, at codon 642 of the ATP13A2 protein (p.Ala642Val).

NM_022089.4(ATP13A2):c.1925C>T (p.Ala642Val)

Gene: ATP13A2 (ATPase cation transporting 13A2; minus strand). Cytogenetic location: 1p36.13.
Variant type: single nucleotide variant.
Coding change: c.1925C>T on transcript NM_022089.4 (MANE Select); coding-DNA position 1925, C replaced by T.
Protein change: p.Ala642Val; replaces alanine 642 with valine.
Molecular consequence: missense variant.
Genome position (GRCh38, 1-based): chr1:16,992,323, G>A on the plus strand (C>T on the coding strand, the complement: ATP13A2 is on the minus strand). VCF-style: chr1-16992323-G-A. GRCh37 (hg19) VCF-style: chr1-17318818-G-A.
Other names: c.1910C>T, p.Ala637Val (NM_001141973.3, NM_001141974.3); c.1925C>T (NM_022089.2); short protein forms A637V, A642V.
Identifiers: ClinVar variation 1056319 (VCV001056319.6), dbSNP rs147260398, ClinGen allele CA637034.
Genomic context (GRCh38, chr1:16,992,323, plus strand): 5'-CCTGCCACCAGCTCCGGGGAGCCTTTGACGTAGGCCTCGGGCTGAGTGGCCCCTGGCCAC[G>A]CCACCACCACACTCATGCGCTGCAGAGCCGAAGAGAAGGGGAAGCGGTGGAGGACGCTGA-3'
Protein context (NP_071372.1, residues 632-652): SALQRMSVVV[Ala642Val]WPGATQPEAY